The following is an entry in ClinVar:

ClinVar aggregate classification (germline): Uncertain significance (1 of 4 stars; one submission).

Conditions:
Granulomatous disease, chronic, X-linked. Also called: CYTOCHROME b-NEGATIVE GRANULOMATOUS DISEASE, CHRONIC, X-LINKED; GRANULOMATOUS DISEASE, CHRONIC, X-LINKED, SOMATIC MOSAIC. Identifiers: Orphanet 379, MedGen C1844376, MONDO:0010600, OMIM 306400.

gnomAD v4.1: 2 of 1,207,194 alleles (0.00017%); highest among the groups gnomAD compares: African/African-American, 0.0035%; no homozygotes.

Submission:

Labcorp Genetics (formerly Invitae), Labcorp
Classification: Uncertain significance for Granulomatous disease, chronic, X-linked. Last evaluated: 2023-01-16. Review status: criteria provided, single submitter. Criteria: Invitae Variant Classification Sherloc (09022015). Collection method: clinical testing. Allele origin: germline.
Comment: In summary, the available evidence is currently insufficient to determine the role of this variant in disease. Therefore, it has been classified as a Variant of Uncertain Significance. Advanced modeling of protein sequence and biophysical properties (such as structural, functional, and spatial information, amino acid conservation, physicochemical variation, residue mobility, and thermodynamic stability) performed at Invitae indicates that this missense variant is not expected to disrupt CYBB protein function. This variant has not been reported in the literature in individuals affected with CYBB-related conditions. The frequency data for this variant in the population databases is considered unreliable, as metrics indicate poor data quality at this position in the gnomAD database. This sequence change replaces leucine, which is neutral and non-polar, with isoleucine, which is neutral and non-polar, at codon 281 of the CYBB protein (p.Leu281Ile).

NM_000397.4(CYBB):c.841C>A (p.Leu281Ile)

Gene: CYBB (cytochrome b-245 beta chain; plus strand). Cytogenetic location: Xp11.4.
Variant type: single nucleotide variant.
Coding change: c.841C>A on transcript NM_000397.4 (MANE Select); coding-DNA position 841, C replaced by A.
Protein change: p.Leu281Ile; replaces leucine 281 with isoleucine.
Molecular consequence: missense variant.
Genome position (GRCh38, 1-based): chrX:37,801,292, C>A. VCF-style: chrX-37801292-C-A. GRCh37 (hg19) VCF-style: chrX-37660545-C-A.
Other names: short protein forms L281I.
Identifiers: ClinVar variation 3022152 (VCV003022152.1), dbSNP rs1422144712, ClinGen allele CA412976864.